The following is an entry in ClinVar:

NM_031443.4(CCM2):c.130_131del (p.Thr44fs)

Gene: CCM2 (CCM2 scaffold protein; plus strand). Cytogenetic location: 7p13.
Variant type: Microsatellite.
Coding change: c.130_131del on transcript NM_031443.4 (MANE Select); coding-DNA positions 130 to 131, 2 bases deleted (AC; older notation c.130_131delAC).
Protein change: p.Thr44fs; shifts the reading frame from threonine 44.
Molecular consequence: frameshift variant. On other transcripts: non-coding transcript variant (1), intron variant (2).
Genome position (GRCh38, 1-based): chr7:45,038,352-45,038,353, AC deleted; deleting any 2 consecutive bases within chr7:45,038,349-45,038,353 gives the same sequence; the c. name uses the placement nearest the transcript's 3' end. VCF-style (leftmost placement, unchanged base first): chr7-45038348-GCA-G. GRCh37 (hg19) VCF-style: chr7-45077947-GCA-G.
Other names: c.193_194del, p.Thr65fs (NM_001029835.2); c.130_131del, p.Thr44fs (NM_001167935.2, NM_001363458.2); c.31-25566_31-25565del (NM_001363459.2, NM_001167934.2); short protein forms T44fs, T65fs.
Identifiers: ClinVar variation 952312 (VCV000952312.1), dbSNP rs1797324598, ClinGen allele CA1704042074.

ClinVar aggregate classification (germline): Pathogenic (1 of 4 stars; one submission).

Conditions:
Cerebral cavernous malformation 2. Also called: Familial Cerebral Cavernous Malformation 2. Identifiers: Orphanet 221061, MedGen C1864041, MONDO:0011304, OMIM 603284.

Submission:

Labcorp Genetics (formerly Invitae), Labcorp
Classification: Pathogenic for Cerebral cavernous malformations 2. Last evaluated: 2019-07-23. Review status: criteria provided, single submitter. Criteria: Invitae Variant Classification Sherloc (09022015). Collection method: clinical testing. Allele origin: germline.
Comment: This sequence change creates a premature translational stop signal (p.Thr44Cysfs*7) in the CCM2 gene. It is expected to result in an absent or disrupted protein product. This variant is not present in population databases (ExAC no frequency). This variant has not been reported in the literature in individuals with CCM2-related conditions. Loss-of-function variants in CCM2 are known to be pathogenic (PMID: 2468908, 14624391, 17160895, 18300272). For these reasons, this variant has been classified as Pathogenic.